The following is an entry in ClinVar:

NM_024675.4(PALB2):c.595del (p.Leu199fs)

Gene: PALB2 (partner and localizer of BRCA2; minus strand). Cytogenetic location: 16p12.2.
Variant type: Deletion.
Coding change: c.595del on transcript NM_024675.4 (MANE Select); coding-DNA position 595, one base deleted (C; older notation c.595delC).
Protein change: p.Leu199fs; shifts the reading frame from leucine 199.
Molecular consequence: frameshift variant.
Genome position (GRCh38, 1-based): chr16:23,635,951, G deleted on the plus strand (C on the coding strand, the reverse complement: PALB2 is on the minus strand); the first of 2 consecutive G bases (chr16:23,635,951-23,635,952); deleting either gives the same sequence. VCF-style (leftmost placement, unchanged base first): chr16-23635950-AG-A. GRCh37 (hg19) VCF-style: chr16-23647271-AG-A.
Other names: c.595delC (NM_024675.3); short protein forms L199fs.
Identifiers: ClinVar variation 1075125 (VCV001075125.10), dbSNP rs2142439618, ClinGen allele CA2499223450.

ClinVar aggregate classification (germline): Pathogenic. Review status: criteria provided, multiple submitters, no conflicts (2 of 4 stars). 3 submissions from 3 submitters: Pathogenic (3). Last evaluated 2026-04-22.

Conditions:
Familial cancer of breast. Also called: BREAST CANCER, FAMILIAL; Hereditary breast cancer; hereditary breast carcinoma. Identifiers: Orphanet 227535, MedGen C0346153, MONDO:0016419, OMIM 114480. Disease mechanism: loss of function.
Hereditary cancer-predisposing syndrome. Also called: Hereditary neoplastic syndrome; Neoplastic Syndromes, Hereditary; Tumor predisposition; Hereditary Cancer Syndrome. Identifiers: Orphanet 140162, MedGen C0027672, MeSH D009386, MONDO:0015356.

Submissions (3):

Ambry Genetics
Classification: Pathogenic for Hereditary cancer-predisposing syndrome. Last evaluated: 2026-04-22. Review status: criteria provided, single submitter. Criteria: Ambry Variant Classification Scheme 2023. Collection method: clinical testing. Allele origin: germline.
Comment: The c.595delC pathogenic mutation, located in coding exon 4 of the PALB2 gene, results from a deletion of one nucleotide at nucleotide position 595, causing a translational frameshift with a predicted alternate stop codon (p.L199Ffs*2). This variant is considered to be rare based on population cohorts in the Genome Aggregation Database (gnomAD). This alteration is expected to result in loss of function by premature protein truncation or nonsense-mediated mRNA decay. As such, this alteration is interpreted as a disease-causing mutation.

Myriad Genetics, Inc.
Classification: Pathogenic for Familial cancer of breast. Last evaluated: 2023-09-06. Review status: criteria provided, single submitter. Criteria: Myriad Autosomal Dominant, Autosomal Recessive and X-Linked Classification Criteria (2023). Collection method: clinical testing. Allele origin: unknown.
Comment: This variant is considered pathogenic. This variant creates a frameshift predicted to result in premature protein truncation.

Labcorp Genetics (formerly Invitae), Labcorp
Classification: Pathogenic for Familial cancer of breast. Last evaluated: 2021-09-30. Review status: criteria provided, single submitter. Criteria: Invitae Variant Classification Sherloc (09022015). Collection method: clinical testing. Allele origin: germline.
Comment: This sequence change creates a premature translational stop signal (p.Leu199Phefs*2) in the PALB2 gene. It is expected to result in an absent or disrupted protein product. Loss-of-function variants in PALB2 are known to be pathogenic (PMID: 17200668, 24136930, 25099575). For these reasons, this variant has been classified as Pathogenic. This variant has not been reported in the literature in individuals with PALB2-related conditions. This variant is not present in population databases (ExAC no frequency).

Literature cited by the submitters: PubMed 17200668 (cited by Labcorp Genetics (formerly Invitae), Labcorp); PubMed 24136930 (cited by Labcorp Genetics (formerly Invitae), Labcorp); PubMed 25099575 (cited by Labcorp Genetics (formerly Invitae), Labcorp).